The following is an entry in ClinVar:

NM_000138.5(FBN1):c.5846_5850dup (p.Val1951fs)

Gene: FBN1 (fibrillin 1; minus strand). Cytogenetic location: 15q21.1.
Variant type: Duplication.
Coding change: c.5846_5850dup on transcript NM_000138.5 (MANE Select); coding-DNA positions 5846 to 5850, 5 bases duplicated (ATACA; older notation c.5846_5850dupATACA).
Protein change: p.Val1951fs; shifts the reading frame from valine 1951.
Molecular consequence: frameshift variant.
Genome position (GRCh38, 1-based): chr15:48,445,443-48,445,447, TGTAT duplicated on the plus strand (ATACA on the coding strand, the reverse complement: FBN1 is on the minus strand); duplicating any 5 consecutive bases within chr15:48,445,443-48,445,448 gives the same sequence; the c. name uses the placement nearest the transcript's 3' end. VCF-style (leftmost placement, unchanged base first): chr15-48445442-C-CTGTAT. GRCh37 (hg19) VCF-style: chr15-48737639-C-CTGTAT.
Other names: short protein forms V1951fs.
Identifiers: ClinVar variation 863319 (VCV000863319.7), dbSNP rs2043151379, ClinGen allele CA916082420.

ClinVar aggregate classification (germline): Pathogenic (1 of 4 stars; one submission).

Conditions:
Familial thoracic aortic aneurysm and aortic dissection (TAAD). Also called: Thoracic aortic aneurysms and dissections. Identifiers: Orphanet 91387, MedGen C4707243, MONDO:0019625.
Marfan syndrome (MFS). Also called: FBN1-Related Marfan Syndrome; Marfan's syndrome; MARFAN SYNDROME, TYPE I; Marfan syndrome type 1; Marfan syndrome, classic. Identifiers: Orphanet 284963, Orphanet 558, MedGen C0024796, MONDO:0007947, OMIM 154700.

Submission:

Labcorp Genetics (formerly Invitae), Labcorp
Classification: Pathogenic for Marfan syndrome; Familial thoracic aortic aneurysm and aortic dissection. Last evaluated: 2022-02-03. Review status: criteria provided, single submitter. Criteria: Invitae Variant Classification Sherloc (09022015). Collection method: clinical testing. Allele origin: germline.
Comment: For these reasons, this variant has been classified as Pathogenic. ClinVar contains an entry for this variant (Variation ID: 863319). This variant has not been reported in the literature in individuals affected with FBN1-related conditions. This variant is not present in population databases (gnomAD no frequency). This sequence change creates a premature translational stop signal (p.Val1951Ilefs*31) in the FBN1 gene. It is expected to result in an absent or disrupted protein product. Loss-of-function variants in FBN1 are known to be pathogenic (PMID: 17657824, 19293843).

Literature cited by the submitters: PubMed 17657824; PubMed 19293843.